The following is an entry in ClinVar:

ClinVar aggregate classification (germline): Uncertain significance (1 of 4 stars; one submission).

Allele frequency attached by ClinVar (database versions not stated): gnomAD exomes 0.00001; ExAC 0.00002; gnomAD 0.00003; TOPMed 0.00003.
gnomAD v4.1: 22 of 1,614,036 alleles (0.0014%); highest among the groups gnomAD compares: Middle Eastern, 0.033%; no homozygotes.

Submission:

Labcorp Genetics (formerly Invitae), Labcorp
Classification: Uncertain significance. Last evaluated: 2022-02-08. Review status: criteria provided, single submitter. Criteria: Invitae Variant Classification Sherloc (09022015). Collection method: clinical testing. Allele origin: germline.
Comment: This sequence change replaces serine, which is neutral and polar, with leucine, which is neutral and non-polar, at codon 64 of the FOXRED1 protein (p.Ser64Leu). This variant is present in population databases (rs778138909, gnomAD 0.01%). This variant has not been reported in the literature in individuals affected with FOXRED1-related conditions. Advanced modeling of protein sequence and biophysical properties (such as structural, functional, and spatial information, amino acid conservation, physicochemical variation, residue mobility, and thermodynamic stability) performed at Invitae indicates that this missense variant is not expected to disrupt FOXRED1 protein function. In summary, the available evidence is currently insufficient to determine the role of this variant in disease. Therefore, it has been classified as a Variant of Uncertain Significance.

NM_017547.4(FOXRED1):c.191C>T (p.Ser64Leu)

Gene: FOXRED1 (FAD dependent oxidoreductase domain containing 1; plus strand). Cytogenetic location: 11q24.2.
Variant type: single nucleotide variant.
Coding change: c.191C>T on transcript NM_017547.4 (MANE Select); coding-DNA position 191, C replaced by T.
Protein change: p.Ser64Leu; replaces serine 64 with leucine.
Molecular consequence: missense variant. On other transcripts: non-coding transcript variant (1).
Genome position (GRCh38, 1-based): chr11:126,271,542, C>T. VCF-style: chr11-126271542-C-T. GRCh37 (hg19) VCF-style: chr11-126141437-C-T.
Other names: short protein forms S64L.
Identifiers: ClinVar variation 2051801 (VCV002051801.1), dbSNP rs778138909, ClinGen allele CA6353998.
Genomic context (GRCh38, chr11:126,271,542, plus strand): 5'-TCCTGCCTGGAAGGTCCTGTGATCTACTGCAAGACACCAGCCACCTGCCTCCCGAGCACT[C>T]GGATGTGGTGATCGTGGGAGGTGGGGTGCTTGGCTTGTCTGTGGCCTATTGGCTGAAGAA-3'
Protein context (NP_060017.1, residues 54-74): QDTSHLPPEH[Ser64Leu]DVVIVGGGVL